The following is an entry in ClinVar:

ClinVar aggregate classification (germline): Uncertain significance. Review status: criteria provided, multiple submitters, no conflicts (2 of 4 stars). 2 submissions from 2 submitters: Uncertain significance (2). Last evaluated 2024-01-10.

Conditions:
Hereditary cancer-predisposing syndrome. Also called: Neoplastic Syndromes, Hereditary; Hereditary Cancer Syndrome; Tumor predisposition; Hereditary neoplastic syndrome. Identifiers: Orphanet 140162, MedGen C0027672, MeSH D009386, MONDO:0015356.

Submissions (2):

Ambry Genetics
Classification: Uncertain significance for Hereditary cancer-predisposing syndrome. Last evaluated: 2024-01-10. Review status: criteria provided, single submitter. Criteria: Ambry Variant Classification Scheme 2023. Collection method: clinical testing. Allele origin: germline.
Comment: The p.E105G variant (also known as c.314A>G), located in coding exon 3 of the SMARCB1 gene, results from an A to G substitution at nucleotide position 314. The glutamic acid at codon 105 is replaced by glycine, an amino acid with similar properties. This amino acid position is highly conserved in available vertebrate species. In addition, this alteration is predicted to be deleterious by in silico analysis. Missense and in-frame variants in SMARCB1 are known to cause neurodevelopmental disorders; however, such associations with rhabdoid tumor predisposition syndrome are exceedingly rare (Kosho T et al. Am J Med Genet C Semin Med Genet. 2014 Sep;166C(3):262-75; Eaton KW et al. Pediatr Blood Cancer. 2011 Jan;56(1):7-15). Since supporting evidence is limited at this time, the clinical significance of this alteration remains unclear.

Labcorp Genetics (formerly Invitae), Labcorp
Classification: Uncertain significance. Last evaluated: 2020-12-27. Review status: criteria provided, single submitter. Criteria: Invitae Variant Classification Sherloc (09022015). Collection method: clinical testing. Allele origin: germline.
Comment: This sequence change replaces glutamic acid with glycine at codon 105 of the SMARCB1 protein (p.Glu105Gly). The glutamic acid residue is highly conserved and there is a moderate physicochemical difference between glutamic acid and glycine. In summary, the available evidence is currently insufficient to determine the role of this variant in disease. Therefore, it has been classified as a Variant of Uncertain Significance. Algorithms developed to predict the effect of missense changes on protein structure and function are either unavailable or do not agree on the potential impact of this missense change (SIFT: "Deleterious"; PolyPhen-2: "Benign"; Align-GVGD: "Class C35"). This variant has not been reported in the literature in individuals with SMARCB1-related conditions. This variant is not present in population databases (ExAC no frequency).

NM_003073.5(SMARCB1):c.314A>G (p.Glu105Gly)

Gene: SMARCB1 (SWI/SNF related BAF chromatin remodeling complex subunit B1; plus strand). Cytogenetic location: 22q11.23.
Variant type: single nucleotide variant.
Coding change: c.314A>G on transcript NM_003073.5 (MANE Select); coding-DNA position 314, A replaced by G.
Protein change: p.Glu105Gly; replaces glutamic acid 105 with glycine.
Molecular consequence: missense variant.
Genome position (GRCh38, 1-based): chr22:23,793,640, A>G. VCF-style: chr22-23793640-A-G. GRCh37 (hg19) VCF-style: chr22-24135827-A-G.
Other names: c.287A>G, p.Glu96Gly (NM_001007468.3, NM_001317946.2); c.314A>G, p.Glu105Gly (NM_001362877.2); c.314A>G (NM_003073.3); short protein forms E105G, E96G.
Identifiers: ClinVar variation 1474800 (VCV001474800.9), dbSNP rs2145964182, ClinGen allele CA410933889.